The following is an entry in ClinVar:

ClinVar aggregate classification (germline): Uncertain significance. Review status: criteria provided, multiple submitters, no conflicts (2 of 4 stars). 2 submissions from 2 submitters: Uncertain significance (2). Last evaluated 2025-08-03.

Conditions:
Inborn genetic diseases. Identifiers: MedGen C0950123, MeSH D030342.

Submissions (2):

Labcorp Genetics (formerly Invitae), Labcorp
Classification: Uncertain significance. Last evaluated: 2025-08-03. Review status: criteria provided, single submitter. Criteria: Invitae Variant Classification Sherloc (09022015). Collection method: clinical testing. Allele origin: germline.
Comment: This sequence change replaces serine, which is neutral and polar, with arginine, which is basic and polar, at codon 1302 of the SETBP1 protein (p.Ser1302Arg). This variant is not present in population databases (gnomAD no frequency). This variant has not been reported in the literature in individuals affected with SETBP1-related conditions. ClinVar contains an entry for this variant (Variation ID: 3440128). Invitae Evidence Modeling of protein sequence and biophysical properties (such as structural, functional, and spatial information, amino acid conservation, physicochemical variation, residue mobility, and thermodynamic stability) indicates that this missense variant is not expected to disrupt SETBP1 protein function with a negative predictive value of 80%. In summary, the available evidence is currently insufficient to determine the role of this variant in disease. Therefore, it has been classified as a Variant of Uncertain Significance.

Ambry Genetics
Classification: Uncertain significance for Inborn genetic diseases. Last evaluated: 2024-10-22. Review status: criteria provided, single submitter. Criteria: Ambry Variant Classification Scheme 2023. Collection method: clinical testing. Allele origin: germline.

NM_015559.3(SETBP1):c.3906C>A (p.Ser1302Arg)

Gene: SETBP1 (SET binding protein 1; plus strand). Cytogenetic location: 18q12.3.
Variant type: single nucleotide variant.
Coding change: c.3906C>A on transcript NM_015559.3 (MANE Select); coding-DNA position 3906, C replaced by A.
Protein change: p.Ser1302Arg; replaces serine 1302 with arginine.
Molecular consequence: missense variant.
Genome position (GRCh38, 1-based): chr18:44,953,246, C>A. VCF-style: chr18-44953246-C-A. GRCh37 (hg19) VCF-style: chr18-42533211-C-A.
Other names: c.3906C>A, p.Ser1302Arg (NM_001379141.1, NM_001379142.1, NM_001410862.1); short protein forms S1302R.
Identifiers: ClinVar variation 3440128 (VCV003440128.2).
Genomic context (GRCh38, chr18:44,953,246, plus strand): 5'-TGAAATGAACCCTTCGAATGACAAGTGGGACAGTGACGTGAGTGGGAGTAAAAGGAGGAG[C>A]TATGAAGGCTTTGGAACGTACAGGGAAAAGGACATCCAAGCCTTCAAGATGAACCGCAAG-3'
Protein context (NP_056374.2, residues 1292-1312): DSDVSGSKRR[Ser1302Arg]YEGFGTYREK